The following is an entry in ClinVar:

NM_000127.3(EXT1):c.973C>T (p.Arg325Trp)

Gene: EXT1 (exostosin glycosyltransferase 1; minus strand). Cytogenetic location: 8q24.11.
Variant type: single nucleotide variant.
Coding change: c.973C>T on transcript NM_000127.3 (MANE Select); coding-DNA position 973, C replaced by T.
Protein change: p.Arg325Trp; replaces arginine 325 with tryptophan.
Molecular consequence: missense variant.
Genome position (GRCh38, 1-based): chr8:117,837,191, G>A on the plus strand (C>T on the coding strand, the complement: EXT1 is on the minus strand). VCF-style: chr8-117837191-G-A. GRCh37 (hg19) VCF-style: chr8-118849430-G-A.
Other names: short protein forms R325W.
Identifiers: ClinVar variation 1371761 (VCV001371761.9), dbSNP rs1394508840, ClinGen allele CA371893381.

ClinVar aggregate classification (germline): Uncertain significance. Review status: criteria provided, multiple submitters, no conflicts (2 of 4 stars). 2 submissions from 2 submitters: Uncertain significance (2). Last evaluated 2025-07-03.

Conditions:
Chondrosarcoma. Also called: Chondrosarcoma, somatic. Identifiers: Orphanet 55880, MedGen C0008479, MONDO:0008977, OMIM 215300, HP:0006765.
Multiple congenital exostosis (EXT). Also called: Hereditary multiple osteochondromas; MULTIPLE CARTILAGINOUS EXOSTOSES; Multiple exostoses; Hereditary multiple exostoses; Hereditary multiple exostosis; Multiple osteochondromas. Identifiers: Orphanet 321, MedGen C0015306, MONDO:0005508, HP:0002762.

Allele frequency attached by ClinVar (database versions not stated): gnomAD 0.00001; TOPMed 0.00002.
gnomAD v4.1: 27 of 1,613,132 alleles (0.0017%); highest among the groups gnomAD compares: Non-Finnish European, 0.0021%; no homozygotes.

Submissions (2):

Labcorp Genetics (formerly Invitae), Labcorp
Classification: Uncertain significance for Multiple congenital exostosis. Last evaluated: 2025-07-03. Review status: criteria provided, single submitter. Criteria: Invitae Variant Classification Sherloc (09022015). Collection method: clinical testing. Allele origin: germline.
Comment: This sequence change replaces arginine, which is basic and polar, with tryptophan, which is neutral and slightly polar, at codon 325 of the EXT1 protein (p.Arg325Trp). This variant is present in population databases (no rsID available, gnomAD 0.004%). This variant has not been reported in the literature in individuals affected with EXT1-related conditions. ClinVar contains an entry for this variant (Variation ID: 1371761). Invitae Evidence Modeling of protein sequence and biophysical properties (such as structural, functional, and spatial information, amino acid conservation, physicochemical variation, residue mobility, and thermodynamic stability) has been performed for this missense variant. However, the output from this modeling did not meet the statistical confidence thresholds required to predict the impact of this variant on EXT1 protein function. In summary, the available evidence is currently insufficient to determine the role of this variant in disease. Therefore, it has been classified as a Variant of Uncertain Significance.

Baylor Genetics
Classification: Uncertain significance for Chondrosarcoma. Last evaluated: 2023-07-29. Review status: criteria provided, single submitter. Criteria: ACMG Guidelines, 2015. Collection method: clinical testing. Allele origin: unknown.